The following is an entry in ClinVar:

ClinVar aggregate classification (germline): Uncertain significance. Review status: criteria provided, multiple submitters, no conflicts (2 of 4 stars). 2 submissions from 2 submitters: Uncertain significance (2). Last evaluated 2025-02-13.

Conditions:
Hajdu-Cheney syndrome (HJCYS). Also called: ACROOSTEOLYSIS WITH OSTEOPOROSIS AND CHANGES IN SKULL AND MANDIBLE; SERPENTINE FIBULA-POLYCYSTIC KIDNEY SYNDROME; Acroosteolysis dominant type. Identifiers: Orphanet 955, MedGen C0917715, MONDO:0007057, OMIM 102500.
Inborn genetic diseases. Identifiers: MedGen C0950123, MeSH D030342.

Allele frequency attached by ClinVar (database versions not stated): TOPMed below 0.00001; ExAC 0.00001; gnomAD 0.00001.

Submissions (2):

Ambry Genetics
Classification: Uncertain significance for Inborn genetic diseases. Last evaluated: 2025-02-13. Review status: criteria provided, single submitter. Criteria: Ambry Variant Classification Scheme 2023. Collection method: clinical testing. Allele origin: germline.

Labcorp Genetics (formerly Invitae), Labcorp
Classification: Uncertain significance for Hajdu-Cheney syndrome. Last evaluated: 2023-06-03. Review status: criteria provided, single submitter. Criteria: Invitae Variant Classification Sherloc (09022015). Collection method: clinical testing. Allele origin: germline.
Comment: In summary, the available evidence is currently insufficient to determine the role of this variant in disease. Therefore, it has been classified as a Variant of Uncertain Significance. Advanced modeling of protein sequence and biophysical properties (such as structural, functional, and spatial information, amino acid conservation, physicochemical variation, residue mobility, and thermodynamic stability) performed at Invitae indicates that this missense variant is not expected to disrupt NOTCH2 protein function. This variant has not been reported in the literature in individuals affected with NOTCH2-related conditions. This variant is present in population databases (rs770234870, gnomAD 0.007%). This sequence change replaces alanine, which is neutral and non-polar, with glycine, which is neutral and non-polar, at codon 2178 of the NOTCH2 protein (p.Ala2178Gly).

NM_024408.4(NOTCH2):c.6533C>G (p.Ala2178Gly)

Gene: NOTCH2 (notch receptor 2; minus strand). Cytogenetic location: 1p12.
Variant type: single nucleotide variant.
Coding change: c.6533C>G on transcript NM_024408.4 (MANE Select); coding-DNA position 6533, C replaced by G.
Protein change: p.Ala2178Gly; replaces alanine 2178 with glycine.
Molecular consequence: missense variant.
Genome position (GRCh38, 1-based): chr1:119,916,189, G>C on the plus strand (C>G on the coding strand, the complement: NOTCH2 is on the minus strand). VCF-style: chr1-119916189-G-C. GRCh37 (hg19) VCF-style: chr1-120458812-G-C.
Other names: c.6533C>G (NM_024408.3); short protein forms A2178G.
Identifiers: ClinVar variation 2758898 (VCV002758898.4), dbSNP rs770234870, ClinGen allele CA1039410.